The following is an entry in ClinVar:

NM_001308093.3(GATA4):c.427C>G (p.Leu143Val)

Gene: GATA4 (GATA binding protein 4). Cytogenetic location: 8p23.1.
Variant type: single nucleotide variant.
Coding change: c.427C>G on transcript NM_001308093.3 (MANE Select); coding-DNA position 427, C replaced by G.
Protein change: p.Leu143Val; replaces leucine 143 with valine.
Molecular consequence: missense variant. On other transcripts: intron variant (3).
Genome position (GRCh38, 1-based): chr8:11,708,739, C>G. VCF-style: chr8-11708739-C-G. GRCh37 (hg19) VCF-style: chr8-11566248-C-G.
Other names: c.427C>G, p.Leu143Val (NM_002052.5); c.-6+7961C>G (NM_001308094.2); c.-3+725C>G (NM_001374274.1); c.-3+4435C>G (NM_001374273.1); short protein forms L143V.
Identifiers: ClinVar variation 3624551 (VCV003624551.2).
Genomic context (GRCh38, chr8:11,708,739, plus strand): 5'-GCTGCCGCGGCCCGGGAAGCTGCGGCCTACAGCAGTGGCGGCGGAGCGGCGGGTGCGGGC[C>G]TGGCGGGCCGCGAGCAGTACGGGCGCGCCGGCTTCGCGGGCTCCTACTCCAGCCCCTACC-3'
Protein context (NP_001295022.1, residues 133-153): SSGGGAAGAG[Leu143Val]AGREQYGRAG

ClinVar aggregate classification (germline): Uncertain significance (1 of 4 stars; one submission).

Conditions:
Atrioventricular septal defect 4 (AVSD4). Identifiers: MedGen C3280781, MONDO:0013747, OMIM 614430.

Submission:

Labcorp Genetics (formerly Invitae), Labcorp
Classification: Uncertain significance for Atrioventricular septal defect 4. Last evaluated: 2024-02-15. Review status: criteria provided, single submitter. Criteria: Invitae Variant Classification Sherloc (09022015). Collection method: clinical testing. Allele origin: germline.
Comment: This sequence change replaces leucine, which is neutral and non-polar, with valine, which is neutral and non-polar, at codon 143 of the GATA4 protein (p.Leu143Val). This variant is not present in population databases (gnomAD no frequency). This variant has not been reported in the literature in individuals affected with GATA4-related conditions. Advanced modeling of protein sequence and biophysical properties (such as structural, functional, and spatial information, amino acid conservation, physicochemical variation, residue mobility, and thermodynamic stability) performed at Invitae indicates that this missense variant is not expected to disrupt GATA4 protein function with a negative predictive value of 80%. In summary, the available evidence is currently insufficient to determine the role of this variant in disease. Therefore, it has been classified as a Variant of Uncertain Significance.